The following is an entry in ClinVar:

NM_000361.3(THBD):c.1345G>A (p.Gly449Ser)

Gene: THBD (thrombomodulin; minus strand). Cytogenetic location: 20p11.21.
Variant type: single nucleotide variant.
Coding change: c.1345G>A on transcript NM_000361.3 (MANE Select); coding-DNA position 1345, G replaced by A.
Protein change: p.Gly449Ser; replaces glycine 449 with serine.
Molecular consequence: missense variant.
Genome position (GRCh38, 1-based): chr20:23,048,160, C>T on the plus strand (G>A on the coding strand, the complement: THBD is on the minus strand). VCF-style: chr20-23048160-C-T. GRCh37 (hg19) VCF-style: chr20-23028797-C-T.
Other names: short protein forms G449S.
Identifiers: ClinVar variation 3667017 (VCV003667017.2).

ClinVar aggregate classification (germline): Uncertain significance (1 of 4 stars; one submission).

Submission:

Labcorp Genetics (formerly Invitae), Labcorp
Classification: Uncertain significance. Last evaluated: 2024-12-19. Review status: criteria provided, single submitter. Criteria: Invitae Variant Classification Sherloc (09022015). Collection method: clinical testing. Allele origin: germline.
Comment: This sequence change replaces glycine, which is neutral and non-polar, with serine, which is neutral and polar, at codon 449 of the THBD protein (p.Gly449Ser). This variant is not present in population databases (gnomAD no frequency). This variant has not been reported in the literature in individuals affected with THBD-related conditions. Invitae Evidence Modeling of protein sequence and biophysical properties (such as structural, functional, and spatial information, amino acid conservation, physicochemical variation, residue mobility, and thermodynamic stability) indicates that this missense variant is not expected to disrupt THBD protein function with a negative predictive value of 80%. In summary, the available evidence is currently insufficient to determine the role of this variant in disease. Therefore, it has been classified as a Variant of Uncertain Significance.